The following is an entry in ClinVar:

NM_000257.4(MYH7):c.2827C>T (p.Leu943=)

Gene: MYH7 (myosin heavy chain 7; minus strand). Cytogenetic location: 14q11.2.
Variant type: single nucleotide variant.
Coding change: c.2827C>T on transcript NM_000257.4 (MANE Select); coding-DNA position 2827, C replaced by T.
Protein change: p.Leu943=; no amino-acid change (leucine 943 retained).
Molecular consequence: synonymous variant.
Genome position (GRCh38, 1-based): chr14:23,424,002, G>A on the plus strand (C>T on the coding strand, the complement: MYH7 is on the minus strand). VCF-style: chr14-23424002-G-A. GRCh37 (hg19) VCF-style: chr14-23893211-G-A.
Other names: c.2827C>T, p.Leu943= (NM_001407004.1).
Identifiers: ClinVar variation 3070813 (VCV003070813.1), dbSNP rs1041958, ClinGen allele CA257818909.
Genomic context (GRCh38, chr14:23,424,002, plus strand): 5'-TGGCCAGTGTCAGCTCCAGATCATCGATGTCCCTTTTGAGCTCTGAGCACTCATCTTCCA[G>A]CTTGCGCTTCTTGGCAGTGAGCTCAGCATTCATCTCCTCCTCATCCTCCAGCCTCTCGTT-3'
Protein context (NP_000248.2, residues 933-953): NAELTAKKRK[Leu943=]EDECSELKRD

ClinVar aggregate classification (germline): Likely benign (1 of 4 stars; one submission).

Conditions:
Cardiomyopathy (CMYO). Also called: Cardiomyopathies. Identifiers: Orphanet 167848, MedGen C0878544, MONDO:0004994, HP:0001638. Inheritance: Various modes of inheritance.

Submission:

All of Us Research Program, National Institutes of Health
Classification: Likely benign for Cardiomyopathy. Last evaluated: 2023-11-20. Review status: criteria provided, single submitter. Criteria: ACMG Guidelines, 2015. Collection method: clinical testing. Allele origin: germline. Inheritance: Autosomal dominant inheritance. Observed: 2 variant alleles, 2 heterozygotes.
Comment: This study involves interpretation of variants in research participants for the purpose of population health screening. Participant phenotype was not available at the time of variant classification. Additional details can be found in publication PMID: 35346344, PMCID: PMC8962531